The following is an entry in ClinVar:

NM_001184.4(ATR):c.1733-3T>C

Gene: ATR (ATR checkpoint kinase; minus strand). Cytogenetic location: 3q23.
Variant type: single nucleotide variant.
Coding change: c.1733-3T>C on transcript NM_001184.4 (MANE Select); 3 bases into the intron before coding-DNA position 1733, T replaced by C.
Molecular consequence: intron variant.
Genome position (GRCh38, 1-based): chr3:142,558,779, A>G on the plus strand (T>C on the coding strand, the complement: ATR is on the minus strand). VCF-style: chr3-142558779-A-G. GRCh37 (hg19) VCF-style: chr3-142277621-A-G.
Other names: c.1541-3T>C (NM_001354579.2).
Identifiers: ClinVar variation 3702684 (VCV003702684.2).

ClinVar aggregate classification (germline): Uncertain significance (1 of 4 stars; one submission).

gnomAD v4.1: 7 of 1,604,114 alleles (0.00044%); highest among the groups gnomAD compares: Non-Finnish European, 0.0006%; no homozygotes.

Submission:

Labcorp Genetics (formerly Invitae), Labcorp
Classification: Uncertain significance. Last evaluated: 2024-05-21. Review status: criteria provided, single submitter. Criteria: Invitae Variant Classification Sherloc (09022015). Collection method: clinical testing. Allele origin: germline.
Comment: This sequence change falls in intron 7 of the ATR gene. It does not directly change the encoded amino acid sequence of the ATR protein. It affects a nucleotide within the consensus splice site. This variant is present in population databases (rs200127658, gnomAD 0.007%). This variant has not been reported in the literature in individuals affected with ATR-related conditions. Variants that disrupt the consensus splice site are a relatively common cause of aberrant splicing (PMID: 17576681, 9536098). Algorithms developed to predict the effect of sequence changes on RNA splicing suggest that this variant is not likely to affect RNA splicing. In summary, the available evidence is currently insufficient to determine the role of this variant in disease. Therefore, it has been classified as a Variant of Uncertain Significance.

Literature cited by the submitters: PubMed 17576681; PubMed 9536098.